The following is an entry in ClinVar:

GRCh38/hg38 16p13.3(chr16:6870911-7020688)x1

Genes: RBFOX1 (RNA binding fox-1 homolog 1; plus strand), LOC129390761 (MPRA-validated peak2485 silencer; plus strand). Cytogenetic location: 16p13.3.
Variant type: copy number loss.
Change: copy number 1 (one copy instead of two) of chr16:6,870,911-7,020,688 (149.8 kb, GRCh38 coordinates, 1-based), cytogenetic band 16p13.3.
Identifiers: ClinVar variation 58247 (VCV000058247.1).

ClinVar aggregate classification (germline): Uncertain significance (1 of 4 stars; one submission).

Submission:

ISCA site 15
Classification: Uncertain significance. Last evaluated: 2011-08-12. Review status: criteria provided, single submitter. Criteria: Kaminsky et al. (Genet Med. 2011). Collection method: clinical testing. Allele origin: unknown. Affected: yes. Observed: 1 variant allele.
Comment: Copy number variation identified through the course of routine clinical cytogenomic testing in postnatal populations. Clinical assertions have been curated as described in Kaminsky et al. 2011.